The following is an entry in ClinVar:

NM_153460.4(IL17RC):c.622G>T (p.Ala208Ser)

Gene: IL17RC (interleukin 17 receptor C; plus strand). Cytogenetic location: 3p25.3.
Variant type: single nucleotide variant.
Coding change: c.622G>T on transcript NM_153460.4 (MANE Select); coding-DNA position 622, G replaced by T.
Protein change: p.Ala208Ser; replaces alanine 208 with serine.
Molecular consequence: missense variant. On other transcripts: intron variant (5).
Genome position (GRCh38, 1-based): chr3:9,920,969, G>T. VCF-style: chr3-9920969-G-T. GRCh37 (hg19) VCF-style: chr3-9962653-G-T.
Other names: c.622G>T, p.Ala208Ser (NM_001203263.2, NM_001203264.2, NM_001367278.1); c.835G>T, p.Ala279Ser (NM_153461.4); c.577+367G>T (NM_032732.6, NM_001367280.1, NM_001203265.2 and 1 more transcripts); c.502+367G>T (NM_001367279.1); short protein forms A208S, A279S.
Identifiers: ClinVar variation 3708751 (VCV003708751.3).

ClinVar aggregate classification (germline): Uncertain significance (1 of 4 stars; one submission).

Conditions:
Candidiasis, familial, 9 (CANDF9). Identifiers: Orphanet 1334, MedGen C4225324, MONDO:0014642, OMIM 616445.

Submissions (2):

Labcorp Genetics (formerly Invitae), Labcorp
Classification: Uncertain significance for Candidiasis, familial, 9. Last evaluated: 2024-04-15. Review status: criteria provided, single submitter. Criteria: Invitae Variant Classification Sherloc (09022015). Collection method: clinical testing. Allele origin: germline.
Comment: This sequence change replaces alanine, which is neutral and non-polar, with serine, which is neutral and polar, at codon 279 of the IL17RC protein (p.Ala279Ser). This variant also falls at the last nucleotide of exon 7, which is part of the consensus splice site for this exon. This variant is not present in population databases (gnomAD no frequency). This variant has not been reported in the literature in individuals affected with IL17RC-related conditions. An algorithm developed to predict the effect of missense changes on protein structure and function (PolyPhen-2) suggests that this variant is likely to be tolerated. Variants that disrupt the consensus splice site are a relatively common cause of aberrant splicing (PMID: 17576681, 9536098). Algorithms developed to predict the effect of sequence changes on RNA splicing suggest that this variant may disrupt the consensus splice site. In summary, the available evidence is currently insufficient to determine the role of this variant in disease. Therefore, it has been classified as a Variant of Uncertain Significance.

Dr. Peter K. Rogan Lab, Western University
No classification provided (evidence only). Condition: Melanoma. Review status: no classification provided. Collection method: in vitro. Allele origin: not applicable. Functional consequence: skipped exon. Not counted in ClinVar's aggregate classification.

Literature cited by the submitters: PubMed 17576681 (cited by Labcorp Genetics (formerly Invitae), Labcorp); PubMed 9536098 (cited by Labcorp Genetics (formerly Invitae), Labcorp).